The following is an entry in ClinVar:

NM_031892.3(SH3KBP1):c.1325C>T (p.Ala442Val)

Gene: SH3KBP1 (SH3 domain containing kinase binding protein 1; minus strand). Cytogenetic location: Xp22.12.
Variant type: single nucleotide variant.
Coding change: c.1325C>T on transcript NM_031892.3 (MANE Select); coding-DNA position 1325, C replaced by T.
Protein change: p.Ala442Val; replaces alanine 442 with valine.
Molecular consequence: missense variant.
Genome position (GRCh38, 1-based): chrX:19,569,162, G>A on the plus strand (C>T on the coding strand, the complement: SH3KBP1 is on the minus strand). VCF-style: chrX-19569162-G-A. GRCh37 (hg19) VCF-style: chrX-19587280-G-A.
Other names: c.1214C>T, p.Ala405Val (NM_001024666.3); c.611C>T, p.Ala204Val (NM_001184960.2, NM_001353897.2); c.1325C>T, p.Ala442Val (NM_001353890.2); c.1325C>T (NM_031892.2); c.1400C>T, p.Ala467Val (NM_001353891.2, NM_001353892.2); c.1223C>T, p.Ala408Val (NM_001353893.2, NM_001353894.2); c.1280C>T, p.Ala427Val (NM_001353895.2); c.1457C>T, p.Ala486Val (NM_001410756.1, NM_001410757.1); and 1 more; short protein forms A383V, A427V, A486V, A204V, A405V, A408V, A442V, A467V.
Identifiers: ClinVar variation 2877459 (VCV002877459.4), dbSNP rs2065933350, ClinGen allele CA412498242.
Genomic context (GRCh38, chrX:19,569,162, plus strand): 5'-CCAATGTCATTGCTGCGGTCCGAGAGATCTTTGTCCAGGATGCCAGATAGCGAACTGCCG[G>A]CCAAGTCAATCTTTGGACTGTCACCCCTACATTAAAAACACAAGCCCAGACATTTAATAA-3'
Protein context (NP_114098.1, residues 432-452): TRGDSPKIDL[Ala442Val]GSSLSGILDK

ClinVar aggregate classification (germline): Conflicting classifications of pathogenicity. Review status: criteria provided, conflicting classifications (1 of 4 stars). 2 submissions from 2 submitters: Uncertain significance (1); Likely benign (1). Last evaluated 2025-10-29.

Allele frequency attached by ClinVar (database versions not stated): gnomAD exomes below 0.00001.
gnomAD v4.1: 3 of 1,210,607 alleles (0.00025%); highest among the groups gnomAD compares: Non-Finnish European, 0.00034%; no homozygotes.

Submissions (2):

Ambry Genetics
Classification: Likely benign. Last evaluated: 2025-10-29. Review status: criteria provided, single submitter. Criteria: Ambry Variant Classification Scheme 2023. Collection method: clinical testing. Allele origin: germline.

Labcorp Genetics (formerly Invitae), Labcorp
Classification: Uncertain significance. Last evaluated: 2024-10-06. Review status: criteria provided, single submitter. Criteria: Invitae Variant Classification Sherloc (09022015). Collection method: clinical testing. Allele origin: germline.
Comment: This sequence change replaces alanine, which is neutral and non-polar, with valine, which is neutral and non-polar, at codon 442 of the SH3KBP1 protein (p.Ala442Val). This variant is not present in population databases (gnomAD no frequency). This variant has not been reported in the literature in individuals affected with SH3KBP1-related conditions. Invitae Evidence Modeling of protein sequence and biophysical properties (such as structural, functional, and spatial information, amino acid conservation, physicochemical variation, residue mobility, and thermodynamic stability) indicates that this missense variant is not expected to disrupt SH3KBP1 protein function with a negative predictive value of 80%. In summary, the available evidence is currently insufficient to determine the role of this variant in disease. Therefore, it has been classified as a Variant of Uncertain Significance.